The following is an entry in ClinVar:

NM_004560.4(ROR2):c.471G>A (p.Thr157=)

Gene: ROR2 (ROR family WNT receptor 2; minus strand). Cytogenetic location: 9q22.31.
Variant type: single nucleotide variant.
Coding change: c.471G>A on transcript NM_004560.4 (MANE Select); coding-DNA position 471, G replaced by A.
Protein change: p.Thr157=; no amino-acid change (threonine 157 retained).
Molecular consequence: synonymous variant.
Genome position (GRCh38, 1-based): chr9:91,756,094, C>T on the plus strand (G>A on the coding strand, the complement: ROR2 is on the minus strand). VCF-style: chr9-91756094-C-T. GRCh37 (hg19) VCF-style: chr9-94518376-C-T.
Other names: c.471G>A, p.Thr157= (NM_001318204.2).
Identifiers: ClinVar variation 367516 (VCV000367516.18), dbSNP rs78781083, ClinGen allele CA5121017.
Genomic context (GRCh38, chr9:91,756,094, plus strand): 5'-AGCAGCAGAACACGGCTTGGGGAAAACAGATACTTACTGAAAGTTATGATTTGGGCTGTG[C>T]GTTGGACCTAAAAAGAGGAAACAAAAAGACAAGTTATTAATACTCCATGATTTGGAATAC-3'
Protein context (NP_004551.2, residues 147-167): TGVLFVRLGP[Thr157=]HSPNHNFQDD

ClinVar aggregate classification (germline): Benign/Likely benign. Review status: criteria provided, multiple submitters, no conflicts (2 of 4 stars). 6 submissions from 5 submitters: Benign (5); Likely benign (1). Last evaluated 2026-01-24.

Conditions:
Autosomal recessive Robinow syndrome (RRS1). Also called: ROR2-Related Robinow Syndrome; COSTOVERTEBRAL SEGMENTATION DEFECT WITH MESOMELIA; COVESDEM SYNDROME; ROBINOW SYNDROME, AUTOSOMAL RECESSIVE 1. Identifiers: Orphanet 1507, Orphanet 97360, MedGen C5399974, MONDO:0009999, OMIM 268310.
Brachydactyly type B1 (BDB1). Identifiers: Orphanet 572385, Orphanet 93383, MedGen C1862112, MONDO:0007220, OMIM 113000.

Allele frequency attached by ClinVar (database versions not stated): gnomAD exomes 0.00070 and 0.00183; ExAC 0.00239; 1000 Genomes Project 0.00759; gnomAD 0.00761 and 0.00812; 1000 Genomes Project 30x 0.00812; ESP Exome Variant Server 0.00853; TOPMed 0.00855.
gnomAD v4.1: 2,233 of 1,613,806 alleles (0.14%); highest among the groups gnomAD compares: African/African-American, 2.6%; 22 homozygotes.

Submissions (6):

Labcorp Genetics (formerly Invitae), Labcorp
Classification: Benign. Last evaluated: 2026-01-24. Review status: criteria provided, single submitter. Criteria: Invitae Variant Classification Sherloc (09022015). Collection method: clinical testing. Allele origin: germline.

Blueprint Genetics
Classification: Likely benign. Last evaluated: 2024-11-25. Review status: criteria provided, single submitter. Criteria: ACMG Guidelines, 2015. Collection method: clinical testing. Allele origin: germline.

Fulgent Genetics
Classification: Benign for Brachydactyly type B1; Autosomal recessive Robinow syndrome. Last evaluated: 2021-08-04. Review status: criteria provided, single submitter. Criteria: ACMG Guidelines, 2015. Collection method: clinical testing. Allele origin: unknown.

Illumina Laboratory Services, Illumina
Classification: Benign for Brachydactyly type B1. Last evaluated: 2018-01-13. Review status: criteria provided, single submitter. Criteria: ICSL Variant Classification Criteria 13 December 2019. Collection method: clinical testing. Allele origin: germline.
Comment: This variant was observed in the ICSL laboratory as part of a predisposition screen in an ostensibly healthy population. It had not been previously curated by ICSL or reported in the Human Gene Mutation Database (HGMD: prior to June 1st, 2018), and was therefore a candidate for classification through an automated scoring system. Utilizing variant allele frequency, disease prevalence and penetrance estimates, and inheritance mode, an automated score was calculated to assess if this variant is too frequent to cause the disease. Based on the score and internal cut-off values, a variant classified as benign is not then subjected to further curation. The score for this variant resulted in a classification of benign for this disease.

Illumina Laboratory Services, Illumina
Classification: Benign for Autosomal recessive Robinow syndrome. Last evaluated: 2018-01-13. Review status: criteria provided, single submitter. Criteria: ICSL Variant Classification Criteria 13 December 2019. Collection method: clinical testing. Allele origin: germline.
Comment: the same text as in the submission from Illumina Laboratory Services, Illumina above.

Breakthrough Genomics
Classification: Benign. Review status: criteria provided, single submitter. Criteria: ACMG Guidelines, 2015. Collection method: not provided. Allele origin: germline. Inheritance: Autosomal recessive inheritance. Affected: yes.